The following is an entry in ClinVar:

NM_000492.4(CFTR):c.3971T>C (p.Leu1324Pro)

Gene: CFTR (CF transmembrane conductance regulator; plus strand). Cytogenetic location: 7q31.2.
Variant type: single nucleotide variant.
Coding change: c.3971T>C on transcript NM_000492.4 (MANE Select); coding-DNA position 3971, T replaced by C.
Protein change: p.Leu1324Pro; replaces leucine 1324 with proline.
Molecular consequence: missense variant.
Genome position (GRCh38, 1-based): chr7:117,664,695, T>C. VCF-style: chr7-117664695-T-C. GRCh37 (hg19) VCF-style: chr7-117304749-T-C.
Other names: short protein forms L1324P.
Identifiers: ClinVar variation 53865 (VCV000053865.9), dbSNP rs397508653, ClinGen allele CA327367.

ClinVar aggregate classification (germline): Pathogenic. Review status: reviewed by expert panel (3 of 4 stars). 6 submissions from 6 submitters: Pathogenic (1). 5 of the submissions do not count toward it. Last evaluated 2018-08-31.

Conditions:
CFTR-related disorder (CFTR-RD). Also called: CFTR-related disorders; CFTR-related condition. Identifiers: MedGen C5924204, MONDO:7770004.
Cystic fibrosis (CF). Also called: MUCOVISCIDOSIS. Identifiers: Orphanet 586, MedGen C0010674, MONDO:0009061, OMIM 219700. Disease mechanism: loss of function.

Submissions (6):

CFTR2
Classification: Pathogenic for Cystic fibrosis. Last evaluated: 2018-08-31. Review status: reviewed by expert panel. Criteria: Sosnay PR et al. (Nat Genet 2013). Collection method: research. Allele origin: germline. Affected: yes.

Natera, Inc.
Classification: Likely pathogenic for CFTR-related disorders. Last evaluated: 2025-05-27. Review status: criteria provided, single submitter. Criteria: Natera Variant Classification Schema (03/2026). Collection method: clinical testing. Allele origin: germline. Not counted in ClinVar's aggregate classification.
Comment: The c.3971T>C variant in CFTR is a missense variant predicted to cause substitution of leucine to proline at amino acid 1324. This variant is rare in the general population with a frequency below the threshold expected for the associated phenotype(s). This variant has been observed in one or more individuals affected with the associated recessive disease, as either homozygous or compound heterozygous with a second variant (PMID: 16596947, 27105680). Functional studies show that this variant may disrupt protein function (PMID: 38388235). Computational prediction algorithms indicate this variant is likely to affect gene or protein function. Given the available evidence, this variant is classified as Likely Pathogenic.

Women's Health and Genetics/Laboratory Corporation of America, LabCorp
Classification: Pathogenic for Cystic fibrosis. Last evaluated: 2025-05-02. Review status: criteria provided, single submitter. Criteria: LabCorp Variant Classification Summary - May 2015. Collection method: clinical testing. Allele origin: germline. Not counted in ClinVar's aggregate classification.
Comment: Variant summary: CFTR c.3971T>C (p.Leu1324Pro) results in a non-conservative amino acid change located in the ABC transporter-like, ATP-binding domain (IPR003439) of the encoded protein sequence. Five of five in-silico tools predict a damaging effect of the variant on protein function. The variant was absent in 251070 control chromosomes. c.3971T>C has been reported in the literature and in CF databases as a biallelic genotype in individuals affected with Cystic Fibrosis (e.g. Bienvenu_2005, McCague_2019, SickKids, CFTR-France). These data indicate that the variant is likely to be associated with disease. At least one publication reports experimental evidence evaluating an impact on protein function. The most pronounced variant effect results in <10% of normal activity (Bihler_2022). The following publications have been ascertained in the context of this evaluation (PMID: 16596947, 38388235, 20163773, 30888834). ClinVar contains an entry for this variant (Variation ID: 53865). Based on the evidence outlined above, the variant was classified as pathogenic.

Labcorp Genetics (formerly Invitae), Labcorp
Classification: Likely pathogenic for Cystic fibrosis. Last evaluated: 2022-11-29. Review status: criteria provided, single submitter. Criteria: Invitae Variant Classification Sherloc (09022015). Collection method: clinical testing. Allele origin: germline. Not counted in ClinVar's aggregate classification.
Comment: This sequence change replaces leucine, which is neutral and non-polar, with proline, which is neutral and non-polar, at codon 1324 of the CFTR protein (p.Leu1324Pro). In summary, the currently available evidence indicates that the variant is pathogenic, but additional data are needed to prove that conclusively. Therefore, this variant has been classified as Likely Pathogenic. Advanced modeling of protein sequence and biophysical properties (such as structural, functional, and spatial information, amino acid conservation, physicochemical variation, residue mobility, and thermodynamic stability) performed at Invitae indicates that this missense variant is expected to disrupt CFTR protein function. ClinVar contains an entry for this variant (Variation ID: 53865). This missense change has been observed in individuals with cystic fibrosis (PMID: 16596947). This variant is not present in population databases (gnomAD no frequency).

Institute of Human Genetics, University of Leipzig Medical Center
Classification: Likely pathogenic for Cystic fibrosis. Last evaluated: 2022-09-05. Review status: criteria provided, single submitter. Criteria: ACMG Guidelines, 2015. Collection method: curation. Allele origin: unknown. Affected: yes. Observed: 1 variant allele. Not counted in ClinVar's aggregate classification.
Comment: The variant was classified in the context of a project re-classifying variants in the German Cystic Fibrosis Registry (Muko.e.V.). Criteria applied: PM2_SUP, PM3_STR, PP3

ClinVar Staff, National Center for Biotechnology Information (NCBI)
No classification provided. Condition: CFTR-related disorders. Review status: no classification provided. Collection method: literature only. Allele origin: germline. Affected: yes. Not counted in ClinVar's aggregate classification.

Literature cited by the submitters: PubMed 16596947 (cited by 3 submitters); PubMed 27105680 (cited by Natera, Inc.); PubMed 38388235 (cited by Natera, Inc. and Women's Health and Genetics/Laboratory Corporation of America, LabCorp); PubMed 20163773 (cited by Women's Health and Genetics/Laboratory Corporation of America, LabCorp and ClinVar Staff, National Center for Biotechnology Information (NCBI)); PubMed 30888834 (cited by Women's Health and Genetics/Laboratory Corporation of America, LabCorp).